The following is an entry in ClinVar:

ClinVar aggregate classification (germline): Uncertain significance (1 of 4 stars; one submission).

Conditions:
COG5-congenital disorder of glycosylation. Also called: CDG IIi; CONGENITAL DISORDER OF GLYCOSYLATION, TYPE IIi; COG5-CDG. Identifiers: Orphanet 263487, MedGen C3150876, MONDO:0013325, OMIM 613612.

Submission:

Labcorp Genetics (formerly Invitae), Labcorp
Classification: Uncertain significance for COG5-congenital disorder of glycosylation. Last evaluated: 2021-06-26. Review status: criteria provided, single submitter. Criteria: Invitae Variant Classification Sherloc (09022015). Collection method: clinical testing. Allele origin: germline.
Comment: This variant results in a copy number gain of the genomic region encompassing exon(s) 11-14 of the COG5 gene. While the exact position of this variant cannot be determined from the data, sub-genic copy number gains are generally in tandem (PMID: 25640679). This variant is predicted to be in-frame, and likely preserves the integrity of the reading frame. This variant has not been reported in the literature in individuals with COG5-related conditions. Experimental studies and prediction algorithms are not available or were not evaluated, and the functional significance of this variant is currently unknown. In summary, the available evidence is currently insufficient to determine the role of this variant in disease. Therefore, it has been classified as a Variant of Uncertain Significance.

Literature cited by the submitters: PubMed 25640679.

NC_000007.13:g.(?_106921725)_(106964986_?)dup

Gene: COG5 (component of oligomeric golgi complex 5; minus strand). Cytogenetic location: 7q22.3.
Variant type: Duplication.
Identifiers: ClinVar variation 1444181 (VCV001444181.4).